The following is an entry in ClinVar:

ClinVar aggregate classification (germline): Conflicting classifications of pathogenicity. Review status: criteria provided, conflicting classifications (1 of 4 stars). 3 submissions from 3 submitters: Uncertain significance (2); Likely benign (1). Last evaluated 2025-05-01.

Conditions:
Melanoma, cutaneous malignant, susceptibility to, 5. Also called: Cutaneous malignant melanoma 5. Identifiers: Orphanet 618, MedGen C2751295, MONDO:0013133, OMIM 613099.

Allele frequency attached by ClinVar (database versions not stated): ESP Exome Variant Server 0.00016; gnomAD 0.00016; 1000 Genomes Project 0.00020; TOPMed 0.00020; 1000 Genomes Project 30x 0.00031.

Submissions (3):

Labcorp Genetics (formerly Invitae), Labcorp
Classification: Uncertain significance for Melanoma, cutaneous malignant, susceptibility to, 5. Last evaluated: 2025-05-01. Review status: criteria provided, single submitter. Criteria: Invitae Variant Classification Sherloc (09022015). Collection method: clinical testing. Allele origin: germline.
Comment: This sequence change replaces alanine, which is neutral and non-polar, with threonine, which is neutral and polar, at codon 299 of the MC1R protein (p.Ala299Thr). This variant is present in population databases (rs370472871, gnomAD 0.06%), and has an allele count higher than expected for a pathogenic variant. This missense change has been observed in individual(s) with melanoma (PMID: 24982914). ClinVar contains an entry for this variant (Variation ID: 580855). Invitae Evidence Modeling of protein sequence and biophysical properties (such as structural, functional, and spatial information, amino acid conservation, physicochemical variation, residue mobility, and thermodynamic stability) indicates that this missense variant is not expected to disrupt MC1R protein function with a negative predictive value of 80%. In summary, the available evidence is currently insufficient to determine the role of this variant in disease. Therefore, it has been classified as a Variant of Uncertain Significance.

CeGaT Center for Human Genetics Tuebingen
Classification: Likely benign. Last evaluated: 2022-12-01. Review status: criteria provided, single submitter. Criteria: CeGaT Center For Human Genetics Tuebingen Variant Classification Criteria Version 2. Collection method: clinical testing. Allele origin: germline. Affected: yes. Observed: 1 variant allele.
Comment: MC1R: BP4

Illumina Laboratory Services, Illumina
Classification: Uncertain significance for Melanoma, cutaneous malignant, susceptibility to, 5. Last evaluated: 2017-04-27. Review status: criteria provided, single submitter. Criteria: ICSL Variant Classification Criteria 13 December 2019. Collection method: clinical testing. Allele origin: germline.
Comment: This variant was observed as part of a predisposition screen in an ostensibly healthy population. A literature search was performed for the gene, cDNA change, and amino acid change (where applicable). Publications were found based on this search. However, the evidence from the literature, in combination with allele frequency data from public databases where available, was not sufficient to rule this variant in or out of causing disease. Therefore, this variant is classified as a variant of unknown significance.

Literature cited by the submitters: PubMed 24982914 (cited by Labcorp Genetics (formerly Invitae), Labcorp); PubMed 9302268 (cited by Illumina Laboratory Services, Illumina); PubMed 10816645 (cited by Illumina Laboratory Services, Illumina); PubMed 16982779 (cited by Illumina Laboratory Services, Illumina).

NM_002386.4(MC1R):c.895G>A (p.Ala299Thr)

Gene: MC1R (melanocortin 1 receptor; plus strand). Cytogenetic location: 16q24.3.
Variant type: single nucleotide variant.
Coding change: c.895G>A on transcript NM_002386.4 (MANE Select); coding-DNA position 895, G replaced by A.
Protein change: p.Ala299Thr; replaces alanine 299 with threonine.
Molecular consequence: missense variant.
Genome position (GRCh38, 1-based): chr16:89,920,153, G>A. VCF-style: chr16-89920153-G-A. GRCh37 (hg19) VCF-style: chr16-89986561-G-A.
Other names: short protein forms A299T.
Identifiers: ClinVar variation 580855 (VCV000580855.34), dbSNP rs370472871, ClinGen allele CA8255802.
Genomic context (GRCh38, chr16:89,920,153, plus strand): 5'-AACTTCAACCTCTTTCTCGCCCTCATCATCTGCAATGCCATCATCGACCCCCTCATCTAC[G>A]CCTTCCACAGCCAGGAGCTCCGCAGGACGCTCAAGGAGGTGCTGACATGCTCCTGGTGAG-3'
Protein context (NP_002377.4, residues 289-309): CNAIIDPLIY[Ala299Thr]FHSQELRRTL